The following is an entry in ClinVar:

ClinVar aggregate classification (germline): Pathogenic. Review status: no assertion criteria provided (0 of 4 stars). 2 submissions from 2 submitters: Pathogenic (2). Last evaluated 2018-01-25.

Conditions:
Fanconi anemia complementation group V. Identifiers: MedGen C4310652, MONDO:0014985, OMIM 617243.

Submissions (2):

OMIM
Classification: Pathogenic for FANCONI ANEMIA, COMPLEMENTATION GROUP V (1 patient). Last evaluated: 2018-01-25. Review status: no assertion criteria provided. Collection method: literature only. Allele origin: germline.

Leiden Open Variation Database
Classification: Pathogenic. Last evaluated: 2016-10-10. Review status: no assertion criteria provided. Collection method: curation. Allele origin: germline. Affected: yes.
Comment: Curator: Arleen D. Auerbach. Submitter to LOVD: Johan den Dunnen.

Literature cited by the submitters: PubMed 27500492 (cited by OMIM and Leiden Open Variation Database).

NM_006341.4(MAD2L2):c.254T>A (p.Val85Glu)

Gene: MAD2L2 (mitotic arrest deficient 2 like 2; minus strand). Cytogenetic location: 1p36.22.
Variant type: single nucleotide variant.
Coding change: c.254T>A on transcript NM_006341.4 (MANE Select); coding-DNA position 254, T replaced by A.
Protein change: p.Val85Glu; replaces valine 85 with glutamic acid.
Molecular consequence: missense variant.
Genome position (GRCh38, 1-based): chr1:11,676,926, A>T on the plus strand (T>A on the coding strand, the complement: MAD2L2 is on the minus strand). VCF-style: chr1-11676926-A-T. GRCh37 (hg19) VCF-style: chr1-11736983-A-T.
Other names: c.254T>A, p.Val85Glu (NM_001127325.2); short protein forms V85E.
Identifiers: ClinVar variation 372196 (VCV000372196.3), dbSNP rs1057517674, ClinGen allele CA16042235.